The following is an entry in ClinVar:

NM_005297.4(MCHR1):c.951G>A (p.Thr317=)

Gene: MCHR1 (melanin concentrating hormone receptor 1; plus strand). Cytogenetic location: 22q13.2.
Variant type: single nucleotide variant.
Coding change: c.951G>A on transcript NM_005297.4 (MANE Select); coding-DNA position 951, G replaced by A.
Protein change: p.Thr317=; no amino-acid change (threonine 317 retained).
Molecular consequence: synonymous variant.
Genome position (GRCh38, 1-based): chr22:40,681,817, G>A. VCF-style: chr22-40681817-G-A. GRCh37 (hg19) VCF-style: chr22-41077821-G-A.
Identifiers: ClinVar variation 3040673 (VCV003040673.2), dbSNP rs201321975, ClinGen allele CA10250378.
Genomic context (GRCh38, chr22:40,681,817, plus strand): 5'-CAGCTTGGGCTATGCCAACAGCTGCCTCAACCCCTTTGTGTACATCGTGCTCTGTGAGAC[G>A]TTCCGCAAACGCTTGGTCCTGTCGGTGAAGCCTGCAGCCCAGGGGCAGCTTCGCGCTGTC-3'
Protein context (NP_005288.4, residues 307-327): NPFVYIVLCE[Thr317=]FRKRLVLSVK

ClinVar aggregate classification (germline): Likely benign (0 of 4 stars; one submission).

Conditions:
MCHR1-related disorder. Also called: MCHR1-related condition.

Allele frequency attached by ClinVar (database versions not stated): ExAC 0.00002; gnomAD 0.00006; 1000 Genomes Project 30x 0.00016; 1000 Genomes Project 0.00020.

Submission:

PreventionGenetics, part of Exact Sciences
Classification: Likely benign for MCHR1-related condition. Last evaluated: 2024-09-25. Review status: no assertion criteria provided. Collection method: clinical testing. Allele origin: germline.
Comment: This variant is classified as likely benign based on ACMG/AMP sequence variant interpretation guidelines (Richards et al. 2015 PMID: 25741868, with internal and published modifications).